The following is an entry in ClinVar:

ClinVar aggregate classification (germline): Likely pathogenic (1 of 4 stars; one submission).

Conditions:
Jawad syndrome (JWDS). Also called: MICROCEPHALY WITH IMPAIRED INTELLECTUAL DEVELOPMENT AND DIGITAL ANOMALIES; KELLY SYNDROME. Identifiers: Orphanet 313795, MedGen C0796063, MONDO:0009622, OMIM 251255.
Seckel syndrome 2 (SCKL2). Also called: SECKEL-TYPE DWARFISM 2; MICROCEPHALIC PRIMORDIAL DWARFISM 2. Identifiers: Orphanet 808, MedGen C1847572, MONDO:0011715, OMIM 606744.

gnomAD v4.1: 2 of 1,604,604 alleles (0.00012%); highest among the groups gnomAD compares: Non-Finnish European, 0.00017%; no homozygotes.

Submission:

Juno Genomics, Hangzhou Juno Genomics, Inc
Classification: Likely pathogenic for Jawad syndrome; Seckel syndrome 2. Review status: criteria provided, single submitter. Criteria: ACMG Guidelines, 2015. Collection method: clinical testing. Allele origin: germline.
Comment: Null variant in a gene where loss of function (LOF) is a known mechanism of disease.;Absent from controls (or at extremely low frequency if recessive) in Genome Aggregation Database.

NM_002894.3(RBBP8):c.970C>T (p.Arg324Ter)

Gene: RBBP8 (RB binding protein 8, endonuclease; plus strand). Cytogenetic location: 18q11.2.
Variant type: single nucleotide variant.
Coding change: c.970C>T on transcript NM_002894.3 (MANE Select); coding-DNA position 970, C replaced by T.
Protein change: p.Arg324Ter; replaces arginine 324 with a stop codon.
Molecular consequence: nonsense.
Genome position (GRCh38, 1-based): chr18:22,992,797, C>T. VCF-style: chr18-22992797-C-T. GRCh37 (hg19) VCF-style: chr18-20572760-C-T.
Other names: c.970C>T, p.Arg324Ter (NM_203291.2, NM_203292.2); short protein forms R324*.
Identifiers: ClinVar variation 5005869 (VCV005005869.2).